The following is an entry in ClinVar:

NM_024675.4(PALB2):c.32G>A (p.Cys11Tyr)

Gene: PALB2 (partner and localizer of BRCA2; minus strand). Cytogenetic location: 16p12.2.
Variant type: single nucleotide variant.
Coding change: c.32G>A on transcript NM_024675.4 (MANE Select); coding-DNA position 32, G replaced by A.
Protein change: p.Cys11Tyr; replaces cysteine 11 with tyrosine.
Molecular consequence: missense variant. On other transcripts: 5 prime UTR variant (8), splice donor variant (2).
Genome position (GRCh38, 1-based): chr16:23,641,126, C>T on the plus strand (G>A on the coding strand, the complement: PALB2 is on the minus strand). VCF-style: chr16-23641126-C-T. GRCh37 (hg19) VCF-style: chr16-23652447-C-T.
Other names: c.32G>A, p.Cys11Tyr (NM_001407296.1, NM_001407297.1, NM_001407298.1 and 5 more transcripts); c.-1712G>A (NM_001407304.1, NM_001407310.1); c.-988G>A (NM_001407305.1, NM_001407307.1, NM_001407309.1 and 1 more transcripts); c.-121G>A (NM_001407312.1, NM_001407313.1); c.-838+1G>A (NM_001407308.1, NM_001407306.1); short protein forms C11Y.
Identifiers: ClinVar variation 2917569 (VCV002917569.3), dbSNP rs750720488, ClinGen allele CA395141091.

ClinVar aggregate classification (germline): Uncertain significance (1 of 4 stars; one submission).

Conditions:
Familial cancer of breast. Also called: hereditary breast carcinoma; Hereditary breast cancer; BREAST CANCER, FAMILIAL. Identifiers: Orphanet 227535, MedGen C0346153, MONDO:0016419, OMIM 114480. Disease mechanism: loss of function.

Submission:

Labcorp Genetics (formerly Invitae), Labcorp
Classification: Uncertain significance for Familial cancer of breast. Last evaluated: 2023-05-20. Review status: criteria provided, single submitter. Criteria: Invitae Variant Classification Sherloc (09022015). Collection method: clinical testing. Allele origin: germline.
Comment: In summary, the available evidence is currently insufficient to determine the role of this variant in disease. Therefore, it has been classified as a Variant of Uncertain Significance. Algorithms developed to predict the effect of sequence changes on RNA splicing suggest that this variant may disrupt the consensus splice site. Algorithms developed to predict the effect of missense changes on protein structure and function output the following: SIFT: "Not Available"; PolyPhen-2: "Benign"; Align-GVGD: "Not Available". The tyrosine amino acid residue is found in multiple mammalian species, which suggests that this missense change does not adversely affect protein function. This variant has not been reported in the literature in individuals affected with PALB2-related conditions. This variant is not present in population databases (gnomAD no frequency). This sequence change replaces cysteine, which is neutral and slightly polar, with tyrosine, which is neutral and polar, at codon 11 of the PALB2 protein (p.Cys11Tyr).